The following is an entry in ClinVar:

NM_001077653.2(TBX20):c.994C>T (p.Pro332Ser)

Gene: TBX20 (T-box transcription factor 20; minus strand). Cytogenetic location: 7p14.2.
Variant type: single nucleotide variant.
Coding change: c.994C>T on transcript NM_001077653.2 (MANE Select); coding-DNA position 994, C replaced by T.
Protein change: p.Pro332Ser; replaces proline 332 with serine.
Molecular consequence: missense variant.
Genome position (GRCh38, 1-based): chr7:35,204,479, G>A on the plus strand (C>T on the coding strand, the complement: TBX20 is on the minus strand). VCF-style: chr7-35204479-G-A. GRCh37 (hg19) VCF-style: chr7-35244091-G-A.
Other names: short protein forms P332S.
Identifiers: ClinVar variation 691824 (VCV000691824.13), dbSNP rs201431768, ClinGen allele CA4217378.
Genomic context (GRCh38, chr7:35,204,479, plus strand): 5'-CTTTAGGTGCTCTGCCTCCCAGCAATTCCATGGCCTTGGAAACTACCTTACCTCGATTTG[G>A]GGTTGTCTGACTCTCATCCCCCAAGACATCTTCTTCTCCTCCGTAGGTACGGATGGGTGA-3'
Protein context (NP_001071121.1, residues 322-342): DVLGDESQTT[Pro332Ser]NRGSAFTTSD

ClinVar aggregate classification (germline): Uncertain significance. Review status: criteria provided, multiple submitters, no conflicts (2 of 4 stars). 4 submissions from 4 submitters: Uncertain significance (4). Last evaluated 2025-10-15.

Conditions:
Cardiovascular phenotype. Identifiers: MedGen CN230736.
Primary dilated cardiomyopathy (DCM). Also called: Dilated Cardiomyopathy. Identifiers: Orphanet 217604, MedGen C0007193, MeSH D002311, MONDO:0005021, HP:0001644. Inheritance: Various modes of inheritance.

Allele frequency attached by ClinVar (database versions not stated): TOPMed 0.00003; ExAC 0.00004; ESP Exome Variant Server 0.00016; gnomAD 0.00003; gnomAD exomes 0.00003.

Submissions (4):

Labcorp Genetics (formerly Invitae), Labcorp
Classification: Uncertain significance. Last evaluated: 2025-10-15. Review status: criteria provided, single submitter. Criteria: Invitae Variant Classification Sherloc (09022015). Collection method: clinical testing. Allele origin: germline.
Comment: This sequence change replaces proline, which is neutral and non-polar, with serine, which is neutral and polar, at codon 332 of the TBX20 protein (p.Pro332Ser). The frequency data for this variant in the population databases is considered unreliable, as metrics indicate poor data quality at this position in the gnomAD database. This missense change has been observed in individual(s) with dilated cardiomyopathy (PMID: 31568572). ClinVar contains an entry for this variant (Variation ID: 691824). Invitae Evidence Modeling of protein sequence and biophysical properties (such as structural, functional, and spatial information, amino acid conservation, physicochemical variation, residue mobility, and thermodynamic stability) indicates that this missense variant is not expected to disrupt TBX20 protein function with a negative predictive value of 80%. In summary, the available evidence is currently insufficient to determine the role of this variant in disease. Therefore, it has been classified as a Variant of Uncertain Significance.

Ambry Genetics
Classification: Uncertain significance for Cardiovascular phenotype. Last evaluated: 2025-05-01. Review status: criteria provided, single submitter. Criteria: Ambry Variant Classification Scheme 2023. Collection method: clinical testing. Allele origin: germline.
Comment: The p.P332S variant (also known as c.994C>T), located in coding exon 7 of the TBX20 gene, results from a C to T substitution at nucleotide position 994. The proline at codon 332 is replaced by serine, an amino acid with similar properties. This variant has been detected in an individual with pediatric-onset dilated cardiomyopathy; however details were limited (K&uuml;hnisch J et al. Clin. Genet., 2019 Sep). This amino acid position is poorly conserved in available vertebrate species, and serine is the reference amino acid in other vertebrate species. In addition, this alteration is predicted to be tolerated by in silico analysis. Since supporting evidence is limited at this time, the clinical significance of this alteration remains unclear.

GeneDx
Classification: Uncertain significance. Last evaluated: 2023-01-27. Review status: criteria provided, single submitter. Criteria: GeneDx Variant Classification Process June 2021. Collection method: clinical testing. Allele origin: germline. Affected: yes.
Comment: Has not been previously published as pathogenic or benign to our knowledge; In silico analysis, which includes protein predictors and evolutionary conservation, supports that this variant does not alter protein structure/function

Klaassen Lab, Charite University Medicine Berlin
Classification: Uncertain significance for Primary dilated cardiomyopathy. Last evaluated: 2019-07-03. Review status: criteria provided, single submitter. Criteria: ACMG Guidelines, 2015. Collection method: research. Allele origin: germline. Affected: yes.

Literature cited by the submitters: PubMed 31568572 (cited by 3 submitters); PubMed 31333075 (cited by Klaassen Lab, Charite University Medicine Berlin).